The following is an entry in ClinVar:

ClinVar aggregate classification (germline): Pathogenic (1 of 4 stars; one submission).

Submission:

Labcorp Genetics (formerly Invitae), Labcorp
Classification: Pathogenic. Last evaluated: 2024-10-07. Review status: criteria provided, single submitter. Criteria: Invitae Variant Classification Sherloc (09022015). Collection method: clinical testing. Allele origin: germline.
Comment: This sequence change creates a premature translational stop signal (p.Trp292Cysfs*13) in the TMTC3 gene. It is expected to result in an absent or disrupted protein product. Loss-of-function variants in TMTC3 are known to be pathogenic (PMID: 27773428, 28973161). This variant is not present in population databases (gnomAD no frequency). This variant has not been reported in the literature in individuals affected with TMTC3-related conditions. ClinVar contains an entry for this variant (Variation ID: 2002666). For these reasons, this variant has been classified as Pathogenic.

Literature cited by the submitters: PubMed 27773428; PubMed 28973161.

NM_181783.4(TMTC3):c.872_875dup (p.Trp292fs)

Gene: TMTC3 (transmembrane O-mannosyltransferase targeting cadherins 3; plus strand). Cytogenetic location: 12q21.32.
Variant type: Duplication.
Coding change: c.872_875dup on transcript NM_181783.4 (MANE Select); coding-DNA positions 872 to 875, 4 bases duplicated (CTTG; older notation c.872_875dupCTTG).
Protein change: p.Trp292fs; shifts the reading frame from tryptophan 292.
Molecular consequence: frameshift variant. On other transcripts: non-coding transcript variant (1).
Genome position (GRCh38, 1-based): chr12:88,166,404-88,166,407, CTTG duplicated; duplicating any 4 consecutive bases within chr12:88,166,402-88,166,407 gives the same sequence; the c. name uses the placement nearest the transcript's 3' end. VCF-style (leftmost placement, unchanged base first): chr12-88166401-A-ATGCT. GRCh37 (hg19) VCF-style: chr12-88560178-A-ATGCT.
Other names: c.692_695dup, p.Trp232fs (NM_001366574.1); c.653_656dup, p.Trp219fs (NM_001366579.1); c.605_608dup, p.Trp203fs (NM_001366580.1); c.179_182dup, p.Trp61fs (NM_001366583.1); short protein forms W203fs, W232fs, W61fs, W219fs, W292fs.
Identifiers: ClinVar variation 2002666 (VCV002002666.4), dbSNP rs2501978213, ClinGen allele CA2580086702.